The following is an entry in ClinVar:

ClinVar aggregate classification (germline): Pathogenic (1 of 4 stars; one submission).

Conditions:
Gastrointestinal stromal tumor. Also called: Gastrointestinal stromal tumor, somatic; Gastrointestinal stroma tumor. Identifiers: Orphanet 44890, MedGen C0238198, MeSH D046152, MONDO:0011719, OMIM 606764, HP:0100723.
Pheochromocytoma/paraganglioma syndrome 3. Also called: GLOMUS TUMORS, FAMILIAL, 3; SDHC-Related Hereditary Paraganglioma-Pheochromocytoma Syndrome (Paragangliomas 3); Paragangliomas 3; SDHC-Related Hereditary Paraganglioma-Pheochromocytoma Syndrome. Identifiers: Orphanet 29072, MedGen C1854336, MONDO:0011544, OMIM 605373.

Submission:

Labcorp Genetics (formerly Invitae), Labcorp
Classification: Pathogenic for Pheochromocytoma/paraganglioma syndrome 3; Gastrointestinal stromal tumor. Last evaluated: 2023-05-19. Review status: criteria provided, single submitter. Criteria: Invitae Variant Classification Sherloc (09022015). Collection method: clinical testing. Allele origin: germline.
Comment: For these reasons, this variant has been classified as Pathogenic. A similar copy number variant has been observed in individual(s) with paragangliomas (PMID: 30877234). This variant is a gross deletion of the genomic region encompassing exon(s) 4 of the SDHC gene. This deletion is out-of-frame, and is expected to create a premature termination codon and result in an absent or disrupted protein product. Loss-of-function variants in SDHC are known to be pathogenic (PMID: 17667967, 19454582, 23282968, 24758179).

Literature cited by the submitters: PubMed 30877234; PubMed 17667967; PubMed 19454582; PubMed 23282968; PubMed 24758179.

NC_000001.10:g.(?_161310374)_(161310455_?)del

Gene: SDHC (succinate dehydrogenase complex subunit C; plus strand). Cytogenetic location: 1q23.3.
Variant type: Deletion.
Identifiers: ClinVar variation 1072825 (VCV001072825.17).